The following is an entry in ClinVar:

ClinVar aggregate classification (germline): Benign (1 of 4 stars; one submission).

Conditions:
Anemia, nonspherocytic hemolytic, due to G6PD deficiency (CNSHA1). Also called: ANEMIA, CONGENITAL, NONSPHEROCYTIC HEMOLYTIC, 1; Class I glucose-6-phosphate dehydrogenase deficiency; Favism, susceptibility to; Hemolytic anemia due to G6PD deficiency. Identifiers: Orphanet 466026, MedGen C2720289, MONDO:0010480, OMIM 300908.

Allele frequency attached by ClinVar (database versions not stated): 1000 Genomes Project 30x 0.57253; gnomAD 0.64451; TOPMed 0.61911.
gnomAD v4.1: 71,940 of 111,337 alleles (65%); highest among the groups gnomAD compares: East Asian, 87%; 20,026 homozygotes.

Submission:

Dunham Lab, University of Washington
Classification: Benign for Anemia, nonspherocytic hemolytic, due to G6PD deficiency. Last evaluated: 2022-08-12. Review status: criteria provided, single submitter. Criteria: ACMG Guidelines, 2015. Collection method: curation. Allele origin: unknown.
Comment: Variant found at a frequency of over 32% in gnomAD (BA1).

NM_001360016.2(G6PD):c.120+2955A>G

Genes: G6PD (glucose-6-phosphate dehydrogenase; minus strand), IKBKG (inhibitor of nuclear factor kappa B kinase regulatory subunit gamma; plus strand), LOC108281126 (G6PD and IKBKG intron CAGE-defined low expression enhancer; plus strand). Cytogenetic location: Xq28.
Variant type: single nucleotide variant.
Coding change: c.120+2955A>G on transcript NM_001360016.2 (MANE Select); 2955 bases into the intron after coding-DNA position 120, A replaced by G.
Molecular consequence: intron variant.
Genome position (GRCh38, 1-based): chrX:154,543,081, T>C on the plus strand (A>G on the coding strand, the complement: G6PD is on the minus strand). VCF-style: chrX-154543081-T-C. GRCh37 (hg19) VCF-style: chrX-153771296-C-C.
Other names: c.210+2955A>G (NM_000402.4); c.120+2955A>G (NM_001042351.3); c.-16+1690T>C (NM_001377312.1, NM_001377313.1); c.189+629T>C (NM_001099856.6); c.-16+694T>C (NM_001321396.3).
Identifiers: ClinVar variation 1722713 (VCV001722713.2), dbSNP rs2472393, ClinGen allele CA337291261.